The following is an entry in ClinVar:

NM_176869.3(PPA2):c.62G>C (p.Gly21Ala)

Gene: PPA2 (inorganic pyrophosphatase 2; minus strand). Cytogenetic location: 4q24.
Variant type: single nucleotide variant.
Coding change: c.62G>C on transcript NM_176869.3 (MANE Select); coding-DNA position 62, G replaced by C.
Protein change: p.Gly21Ala; replaces glycine 21 with alanine.
Molecular consequence: missense variant.
Genome position (GRCh38, 1-based): chr4:105,473,989, C>G on the plus strand (G>C on the coding strand, the complement: PPA2 is on the minus strand). VCF-style: chr4-105473989-C-G. GRCh37 (hg19) VCF-style: chr4-106395146-C-G.
Other names: c.62G>C, p.Gly21Ala (NM_006903.4, NM_176866.2, NM_176867.3); short protein forms G21A.
Identifiers: ClinVar variation 2066241 (VCV002066241.4), dbSNP rs1723653942, ClinGen allele CA357968052.

ClinVar aggregate classification (germline): Uncertain significance (1 of 4 stars; one submission).

gnomAD v4.1: 5 of 1,608,878 alleles (0.00031%); highest among the groups gnomAD compares: Non-Finnish European, 0.00042%; no homozygotes.

Submission:

Labcorp Genetics (formerly Invitae), Labcorp
Classification: Uncertain significance. Last evaluated: 2022-04-16. Review status: criteria provided, single submitter. Criteria: Invitae Variant Classification Sherloc (09022015). Collection method: clinical testing. Allele origin: germline.
Comment: In summary, the available evidence is currently insufficient to determine the role of this variant in disease. Therefore, it has been classified as a Variant of Uncertain Significance. Algorithms developed to predict the effect of missense changes on protein structure and function output the following: SIFT: "Tolerated"; PolyPhen-2: "Benign"; Align-GVGD: "Class C0". The alanine amino acid residue is found in multiple mammalian species, which suggests that this missense change does not adversely affect protein function. This variant has not been reported in the literature in individuals affected with PPA2-related conditions. This variant is not present in population databases (gnomAD no frequency). This sequence change replaces glycine, which is neutral and non-polar, with alanine, which is neutral and non-polar, at codon 21 of the PPA2 protein (p.Gly21Ala).